The following is an entry in ClinVar:

NM_001042492.3(NF1):c.3046dup (p.Cys1016fs)

Gene: NF1 (neurofibromin 1; plus strand). Cytogenetic location: 17q11.2.
Variant type: Duplication.
Coding change: c.3046dup on transcript NM_001042492.3 (MANE Select); coding-DNA position 3046, one base duplicated (T; older notation c.3046dupT).
Protein change: p.Cys1016fs; shifts the reading frame from cysteine 1016.
Molecular consequence: frameshift variant.
Genome position (GRCh38, 1-based): chr17:31,230,315, T duplicated. VCF-style (leftmost placement, unchanged base first): chr17-31230314-G-GT. GRCh37 (hg19) VCF-style: chr17-29557332-G-GT.
Other names: c.3046dup, p.Cys1016Leufs (NM_000267.4); c.3046dupT (NM_000267.3); short protein forms C1016fs.
Identifiers: ClinVar variation 1357066 (VCV001357066.7), dbSNP rs2151431612, ClinGen allele CA2573153328.

ClinVar aggregate classification (germline): Pathogenic. Review status: criteria provided, multiple submitters, no conflicts (2 of 4 stars). 2 submissions from 2 submitters: Pathogenic (2). Last evaluated 2023-11-30.

Conditions:
Hereditary cancer-predisposing syndrome. Also called: Hereditary Cancer Syndrome; Hereditary neoplastic syndrome; Tumor predisposition; Neoplastic Syndromes, Hereditary. Identifiers: Orphanet 140162, MedGen C0027672, MeSH D009386, MONDO:0015356.
Cardiovascular phenotype. Identifiers: MedGen CN230736.
Neurofibromatosis, type 1 (NF1). Also called: NEUROFIBROMATOSIS, TYPE I, SOMATIC; VON RECKLINGHAUSEN DISEASE; Neurofibromatosis, type I; Peripheral type neurofibromatosis. Identifiers: Orphanet 636, MedGen C0027831, MONDO:0018975, OMIM 162200. Disease mechanism: loss of function.

Submissions (2):

Ambry Genetics
Classification: Pathogenic for Cardiovascular phenotype; Hereditary cancer-predisposing syndrome. Last evaluated: 2023-11-30. Review status: criteria provided, single submitter. Criteria: Ambry Variant Classification Scheme 2023. Collection method: clinical testing. Allele origin: germline.
Comment: The c.3046dupT pathogenic mutation, located in coding exon 23 of the NF1 gene, results from a duplication of T at nucleotide position 3046, causing a translational frameshift with a predicted alternate stop codon (p.C1016Lfs*5). This alteration was identified in an individual meeting NIH NF1 diagnostic criteria and a personal history of bilateral breast cancers (Frayling IM et al. J Med Genet, 2019 Apr;56:209-219). This variant is considered to be rare based on population cohorts in the Genome Aggregation Database (gnomAD). In addition to the clinical data presented in the literature, this alteration is expected to result in loss of function by premature protein truncation or nonsense-mediated mRNA decay. As such, this alteration is interpreted as a disease-causing mutation.

Labcorp Genetics (formerly Invitae), Labcorp
Classification: Pathogenic for Neurofibromatosis, type 1. Last evaluated: 2023-03-26. Review status: criteria provided, single submitter. Criteria: Invitae Variant Classification Sherloc (09022015). Collection method: clinical testing. Allele origin: germline.
Comment: This sequence change creates a premature translational stop signal (p.Cys1016Leufs*5) in the NF1 gene. It is expected to result in an absent or disrupted protein product. Loss-of-function variants in NF1 are known to be pathogenic (PMID: 10712197, 23913538). For these reasons, this variant has been classified as Pathogenic. ClinVar contains an entry for this variant (Variation ID: 1357066). This premature translational stop signal has been observed in individual(s) with neurofibromatosis type 1 (PMID: 30530636). This variant is not present in population databases (gnomAD no frequency).

Literature cited by the submitters: PubMed 10712197 (cited by Labcorp Genetics (formerly Invitae), Labcorp); PubMed 23913538 (cited by Labcorp Genetics (formerly Invitae), Labcorp); PubMed 30530636 (cited by Labcorp Genetics (formerly Invitae), Labcorp).